The following is an entry in ClinVar:

ClinVar aggregate classification (germline): Uncertain significance (1 of 4 stars; one submission).

Conditions:
Cataract 6 multiple types. Also called: CATARACT 6, CONGENITAL TOTAL; CATARACT 6, POSTERIOR POLAR; CATARACT, AGE-RELATED CORTICAL, 2. Identifiers: Orphanet 91492, MedGen C1861825, MONDO:0007288, OMIM 116600.

Submission:

MGZ Medical Genetics Center
Classification: Uncertain significance for Cataract 6 multiple types. Last evaluated: 2022-05-31. Review status: criteria provided, single submitter. Criteria: ACMG Guidelines, 2015. Collection method: clinical testing. Allele origin: germline. Affected: yes. Observed: 1 variant allele.
Comment: ACMG criteria applied: PVS1_STR, PM2_SUP

NM_004431.5(EPHA2):c.2677_2680dup (p.Arg894fs)

Gene: EPHA2 (EPH receptor A2; minus strand). Cytogenetic location: 1p36.13.
Variant type: Duplication.
Coding change: c.2677_2680dup on transcript NM_004431.5 (MANE Select); coding-DNA positions 2677 to 2680, 4 bases duplicated (ATCC; older notation c.2677_2680dupATCC).
Protein change: p.Arg894fs; shifts the reading frame from arginine 894.
Molecular consequence: frameshift variant.
Genome position (GRCh38, 1-based): chr1:16,129,579-16,129,582, GGAT duplicated on the plus strand (ATCC on the coding strand, the reverse complement: EPHA2 is on the minus strand). VCF-style (leftmost placement, unchanged base first): chr1-16129578-C-CGGAT. GRCh37 (hg19) VCF-style: chr1-16456073-C-CGGAT.
Other names: c.2515_2518dup, p.Arg840fs (NM_001329090.2); short protein forms R840fs, R894fs.
Identifiers: ClinVar variation 1709494 (VCV001709494.2), dbSNP rs2524539495, ClinGen allele CA2580060600.
Genomic context (GRCh38, chr1:16,129,578, plus strand): 5'-TCCAGCCACTCGGACACCGTGCGGAAGGGCACCCCCTCCGAGCCGCTCGTGCTGGGGAGC[C>CGGAT]GGATAGACACGCTGCAACAGGAAGCACTGCAGGTGAGGGGCTGCAGCACCCAGTCCACCC-3'